The following is an entry in ClinVar:

ClinVar aggregate classification (germline): Benign/Likely benign. Review status: criteria provided, multiple submitters, no conflicts (2 of 4 stars). 4 submissions from 4 submitters: Benign (1); Likely benign (3). Last evaluated 2026-01-16.

Conditions:
Hereditary cancer-predisposing syndrome. Also called: Neoplastic Syndromes, Hereditary; Hereditary Cancer Syndrome; Tumor predisposition; Hereditary neoplastic syndrome. Identifiers: Orphanet 140162, MedGen C0027672, MeSH D009386, MONDO:0015356.
Ataxia-telangiectasia syndrome (AT). Also called: LOUIS-BAR SYNDROME; Cerebello-oculocutaneous telangiectasia; Immunodeficiency with ataxia telangiectasia; Ataxia-telangiectasia, complementation group D; AT, COMPLEMENTATION GROUP C; Ataxia-telangiectasia, complementation group E. Identifiers: Orphanet 100, MedGen C0004135, MONDO:0008840, OMIM 208900.
Familial cancer of breast. Also called: Hereditary breast cancer; BREAST CANCER, FAMILIAL; hereditary breast carcinoma. Identifiers: Orphanet 227535, MedGen C0346153, MONDO:0016419, OMIM 114480. Disease mechanism: loss of function.

Submissions (4):

Ambry Genetics
Classification: Likely benign for Hereditary cancer-predisposing syndrome. Last evaluated: 2026-01-16. Review status: criteria provided, single submitter. Criteria: Ambry Variant Classification Scheme 2023. Collection method: clinical testing. Allele origin: germline.

Labcorp Genetics (formerly Invitae), Labcorp
Classification: Likely benign for Ataxia-telangiectasia syndrome. Last evaluated: 2026-01-16. Review status: criteria provided, single submitter. Criteria: Invitae Variant Classification Sherloc (09022015). Collection method: clinical testing. Allele origin: germline.

Myriad Genetics, Inc.
Classification: Benign for Familial cancer of breast. Last evaluated: 2024-06-06. Review status: criteria provided, single submitter. Criteria: Myriad Autosomal Dominant, Autosomal Recessive and X-Linked Classification Criteria (2023). Collection method: clinical testing. Allele origin: unknown.
Comment: This variant is considered benign. This variant is a silent/synonymous amino acid change and it is not expected to impact splicing.

Color Diagnostics, LLC DBA Color Health
Classification: Likely benign for Hereditary cancer-predisposing syndrome. Last evaluated: 2017-01-17. Review status: criteria provided, single submitter. Criteria: ACMG Guidelines, 2015. Collection method: clinical testing. Allele origin: germline.

NM_000051.4(ATM):c.6471G>A (p.Glu2157=)

Genes: ATM (ATM serine/threonine kinase; plus strand), C11orf65 (chromosome 11 open reading frame 65; minus strand). Cytogenetic location: 11q22.3.
Variant type: single nucleotide variant.
Coding change: c.6471G>A on transcript NM_000051.4 (MANE Select); coding-DNA position 6471, G replaced by A.
Protein change: p.Glu2157=; no amino-acid change (glutamic acid 2157 retained).
Molecular consequence: synonymous variant. On other transcripts: intron variant (2).
Genome position (GRCh38, 1-based): chr11:108,321,319, G>A. VCF-style: chr11-108321319-G-A. GRCh37 (hg19) VCF-style: chr11-108192046-G-A.
Other names: c.6471G>A, p.Glu2157= (NM_001351834.2); c.641-12248C>T (NM_001330368.2); c.*39-12248C>T (NM_001351110.2).
Identifiers: ClinVar variation 490662 (VCV000490662.7), dbSNP rs1555117097, ClinGen allele CA476676147.
Genomic context (GRCh38, chr11:108,321,319, plus strand): 5'-CTCTTCTTTATTTTCAGAGTGTCTTTTCTTTTTTGCTACTAGAGTAAAAGAAGTGGAAGA[G>A]ATGTGTAAGCGCAGCCTTGAGTCTGTGTATTCGCTCTATCCCACACTTAGCAGGTTGCAG-3'
Protein context (NP_000042.3, residues 2147-2167): LKYARVKEVE[Glu2157=]MCKRSLESVY